The following is an entry in ClinVar:

NM_001128840.3(CACNA1D):c.4731A>G (p.Ile1577Met)

Gene: CACNA1D (calcium voltage-gated channel subunit alpha1 D; plus strand). Cytogenetic location: 3p21.1.
Variant type: single nucleotide variant.
Coding change: c.4731A>G on transcript NM_001128840.3 (MANE Select); coding-DNA position 4731, A replaced by G.
Protein change: p.Ile1577Met; replaces isoleucine 1577 with methionine.
Molecular consequence: missense variant.
Genome position (GRCh38, 1-based): chr3:53,781,606, A>G. VCF-style: chr3-53781606-A-G. GRCh37 (hg19) VCF-style: chr3-53815633-A-G.
Other names: c.4791A>G, p.Ile1597Met (NM_000720.4); c.4686A>G, p.Ile1562Met (NM_001128839.3); short protein forms I1562M, I1577M, I1597M.
Identifiers: ClinVar variation 4536181 (VCV004536181.1).

ClinVar aggregate classification (germline): Uncertain significance (1 of 4 stars; one submission).

gnomAD v4.1: 1 of 1,614,106 alleles (0.000062%); no homozygotes.

Submission:

GeneDx
Classification: Uncertain significance. Last evaluated: 2025-06-06. Review status: criteria provided, single submitter. Criteria: GeneDx Variant Classification Process June 2021. Collection method: clinical testing. Allele origin: germline. Affected: yes.
Comment: Not observed at significant frequency in large population cohorts (gnomAD); In silico analysis supports that this missense variant has a deleterious effect on protein structure/function; Has not been previously published as pathogenic or benign to our knowledge